The following is an entry in ClinVar:

ClinVar aggregate classification (germline): Uncertain significance (1 of 4 stars; one submission).

Conditions:
Epidermolysis bullosa simplex with nail dystrophy (EBS5D). Identifiers: MedGen C4225309, MONDO:0014661, OMIM 616487.
Epidermolysis bullosa simplex, Ogna type (EBS5A). Also called: EPIDERMOLYSIS BULLOSA SIMPLEX 5A, OGNA TYPE; Pidermolysis bullosa simplex 5A, Ogna type. Identifiers: Orphanet 79401, MedGen C0432317, MONDO:0007555, OMIM 131950.
Epidermolysis bullosa simplex 5C, with pyloric atresia (EBS5C). Also called: PLEC1-Related Epidermolysis Bullosa with Pyloric Atresia; PLEC-Related Epidermolysis Bullosa with Pyloric Atresia; Epidermolysis bullosa simplex with pyloric atresia. Identifiers: Orphanet 158684, MedGen C2677349, MONDO:0012807, OMIM 612138.
Autosomal recessive limb-girdle muscular dystrophy type 2Q (LGMDR17). Also called: MUSCULAR DYSTROPHY, LIMB-GIRDLE, AUTOSOMAL RECESSIVE 17. Identifiers: Orphanet 254361, MedGen C3150989, MONDO:0013390, OMIM 613723.
Epidermolysis bullosa simplex 5B, with muscular dystrophy (EBS5B). Also called: EPIDERMOLYSIS BULLOSA SIMPLEX AND LIMB-GIRDLE MUSCULAR DYSTROPHY; Epidermolysis bullosa simplex with muscular dystrophy. Identifiers: Orphanet 257, MedGen C2931072, MONDO:0009181, OMIM 226670.

Allele frequency attached by ClinVar (database versions not stated): gnomAD 0.00001; gnomAD exomes 0.00001; TOPMed 0.00002.
gnomAD v4.1: 13 of 1,583,540 alleles (0.00082%); highest among the groups gnomAD compares: Non-Finnish European, 0.0011%; no homozygotes.

Submission:

Labcorp Genetics (formerly Invitae), Labcorp
Classification: Uncertain significance for Autosomal recessive limb-girdle muscular dystrophy type 2Q; Epidermolysis bullosa simplex, Ogna type; Epidermolysis bullosa simplex with nail dystrophy; Epidermolysis bullosa simplex 5C, with pyloric atresia; Epidermolysis bullosa simplex 5B, with muscular dystrophy. Last evaluated: 2023-12-01. Review status: criteria provided, single submitter. Criteria: Invitae Variant Classification Sherloc (09022015). Collection method: clinical testing. Allele origin: germline.
Comment: This sequence change replaces glutamine, which is neutral and polar, with lysine, which is basic and polar, at codon 2064 of the PLEC protein (p.Gln2064Lys). The frequency data for this variant in the population databases is considered unreliable, as metrics indicate poor data quality at this position in the gnomAD database. This variant has not been reported in the literature in individuals affected with PLEC-related conditions. An algorithm developed to predict the effect of missense changes on protein structure and function (PolyPhen-2) suggests that this variant is likely to be tolerated. In summary, the available evidence is currently insufficient to determine the role of this variant in disease. Therefore, it has been classified as a Variant of Uncertain Significance.

NM_201384.3(PLEC):c.6109C>A (p.Gln2037Lys)

Gene: PLEC (plectin; minus strand). Cytogenetic location: 8q24.3.
Variant type: single nucleotide variant.
Coding change: c.6109C>A on transcript NM_201384.3 (MANE Select); coding-DNA position 6109, C replaced by A.
Protein change: p.Gln2037Lys; replaces glutamine 2037 with lysine.
Molecular consequence: missense variant. On other transcripts: intron variant (1).
Genome position (GRCh38, 1-based): chr8:143,923,820, G>T on the plus strand (C>A on the coding strand, the complement: PLEC is on the minus strand). VCF-style: chr8-143923820-G-T. GRCh37 (hg19) VCF-style: chr8-144997988-G-T.
Other names: c.6190C>A, p.Gln2064Lys (NM_000445.5); c.6067C>A, p.Gln2023Lys (NM_201378.4); c.6043C>A, p.Gln2015Lys (NM_201379.3); c.6520C>A, p.Gln2174Lys (NM_201380.4); c.6013C>A, p.Gln2005Lys (NM_201381.3); c.6109C>A, p.Gln2037Lys (NM_201382.4); c.6121C>A, p.Gln2041Lys (NM_201383.3); c.4126-1425C>A (NM_001410941.1); short protein forms Q2015K, Q2037K, Q2005K, Q2174K, Q2023K, Q2041K, Q2064K.
Identifiers: ClinVar variation 2922519 (VCV002922519.3), dbSNP rs868945104, ClinGen allele CA187615015.